The following is an entry in ClinVar:

NM_016474.5(CCDC174):c.811C>T (p.Arg271Cys)

Gene: CCDC174 (coiled-coil domain containing 174; plus strand). Cytogenetic location: 3p25.1.
Variant type: single nucleotide variant.
Coding change: c.811C>T on transcript NM_016474.5 (MANE Select); coding-DNA position 811, C replaced by T.
Protein change: p.Arg271Cys; replaces arginine 271 with cysteine.
Molecular consequence: missense variant. On other transcripts: intron variant (1).
Genome position (GRCh38, 1-based): chr3:14,667,510, C>T. VCF-style: chr3-14667510-C-T. GRCh37 (hg19) VCF-style: chr3-14709017-C-T.
Other names: c.724+563C>T (NM_001410719.1); short protein forms R271C.
Identifiers: ClinVar variation 4852777 (VCV004852777.1).

ClinVar aggregate classification (germline): Uncertain significance (1 of 4 stars; one submission).

Conditions:
Severe hypotonia-psychomotor developmental delay-strabismus-cardiac septal defect syndrome. Also called: Hypotonia, infantile, with psychomotor retardation. Identifiers: Orphanet 467176, MedGen C4225196, MONDO:0014784, OMIM 616816.

gnomAD v4.1: 5 of 1,612,462 alleles (0.00031%); highest among the groups gnomAD compares: South Asian, 0.0022%; no homozygotes.

Submission:

Diagnostics Services (NGS), CSIR - Centre For Cellular And Molecular Biology
Classification: Uncertain significance for Severe hypotonia-psychomotor developmental delay-strabismus-cardiac septal defect syndrome. Last evaluated: 2026-05-27. Review status: criteria provided, single submitter. Criteria: ACMG Guidelines, 2015. Collection method: clinical testing. Allele origin: germline. Observed: 1 variant allele, 1 homozygote.
Comment: The c.811C>T variant is not present in 1000 Genomes, EVS, Indian Exome Database, or our internal database. The variant is present in gnomAD at low frequencies. This variant has neither been published in the literature for CCDC174-related conditions nor reported to clinical databases like Human Genome Mutation Database (HGMD), ClinVar or OMIM in any affected individuals. In-silico pathogenicity prediction programs like SIFT, PolyPhen-2, MutationTaster2021, CADD, etc. predicted this variant to be likely deleterious, however these predictions are not confirmed by published functional / translational studies.